The following is an entry in ClinVar:

NM_001297.5(CNGB1):c.837+6T>C

Gene: CNGB1 (cyclic nucleotide gated channel subunit beta 1; minus strand). Cytogenetic location: 16q21.
Variant type: single nucleotide variant.
Coding change: c.837+6T>C on transcript NM_001297.5 (MANE Select); 6 bases into the intron after coding-DNA position 837, T replaced by C.
Molecular consequence: intron variant.
Genome position (GRCh38, 1-based): chr16:57,958,404, A>G on the plus strand (T>C on the coding strand, the complement: CNGB1 is on the minus strand). VCF-style: chr16-57958404-A-G. GRCh37 (hg19) VCF-style: chr16-57992308-A-G.
Other names: c.819+6T>C (NM_001286130.2); c.837+6T>C (NM_001135639.2).
Identifiers: ClinVar variation 956370 (VCV000956370.9), dbSNP rs1175038409, ClinGen allele CA1139664725.
Genomic context (GRCh38, chr16:57,958,404, plus strand): 5'-TTACCCAAGTTCCCAAGACCCCTCCCACCACCACCAGGGCCACCACTCCATGAGCCCAGC[A>G]CTGACCTGTTCCCCTATTTTCCCATGTAGCACTGGCTGCGGCAAGGCCATCTCCAGCCTG-3'

ClinVar aggregate classification (germline): Uncertain significance (1 of 4 stars; one submission).

Submission:

Labcorp Genetics (formerly Invitae), Labcorp
Classification: Uncertain significance. Last evaluated: 2019-07-28. Review status: criteria provided, single submitter. Criteria: Invitae Variant Classification Sherloc (09022015). Collection method: clinical testing. Allele origin: germline.
Comment: In summary, the available evidence is currently insufficient to determine the role of this variant in disease. Therefore, it has been classified as a Variant of Uncertain Significance. Nucleotide substitutions within the consensus splice site are a relatively common cause of aberrant splicing (PMID: 17576681, 9536098). Algorithms developed to predict the effect of sequence changes on RNA splicing suggest that this variant may disrupt the consensus splice site, but this prediction has not been confirmed by published transcriptional studies. This variant has not been reported in the literature in individuals with CNGB1-related conditions. This variant is not present in population databases (ExAC no frequency). This sequence change falls in intron 11 of the CNGB1 gene. It does not directly change the encoded amino acid sequence of the CNGB1 protein, but it affects a nucleotide within the consensus splice site of the intron.

Literature cited by the submitters: PubMed 17576681; PubMed 9536098.